The following is an entry in ClinVar:

ClinVar aggregate classification (germline): Uncertain significance (1 of 4 stars; one submission).

Conditions:
Dystonic disorder. Also called: Dystonia. Identifiers: MedGen C0013421, MONDO:0003441, HP:0001332.

Allele frequency attached by ClinVar (database versions not stated): ESP Exome Variant Server 0.00008; gnomAD 0.00016; ExAC 0.00017; gnomAD exomes 0.00019 and 0.00026; TOPMed 0.00023.
gnomAD v4.1: 405 of 1,613,000 alleles (0.025%); highest among the groups gnomAD compares: Admixed American, 0.052%; no homozygotes.

Submission:

Labcorp Genetics (formerly Invitae), Labcorp
Classification: Uncertain significance for Dystonic disorder. Last evaluated: 2025-03-27. Review status: criteria provided, single submitter. Criteria: Invitae Variant Classification Sherloc (09022015). Collection method: clinical testing. Allele origin: germline.
Comment: This sequence change replaces glutamine, which is neutral and polar, with glutamic acid, which is acidic and polar, at codon 394 of the CIZ1 protein (p.Gln394Glu). This variant is present in population databases (rs200010931, gnomAD 0.06%), and has an allele count higher than expected for a pathogenic variant. This missense change has been observed in individual(s) with dystonia (PMID: 22447717). ClinVar contains an entry for this variant (Variation ID: 1062258). An algorithm developed to predict the effect of missense changes on protein structure and function (PolyPhen-2) suggests that this variant is likely to be tolerated. In summary, the available evidence is currently insufficient to determine the role of this variant in disease. Therefore, it has been classified as a Variant of Uncertain Significance.

Literature cited by the submitters: PubMed 22447717.

NM_001131016.2(CIZ1):c.1180C>G (p.Gln394Glu)

Gene: CIZ1 (CDKN1A interacting zinc finger protein 1; minus strand). Cytogenetic location: 9q34.11.
Variant type: single nucleotide variant.
Coding change: c.1180C>G on transcript NM_001131016.2 (MANE Select); coding-DNA position 1180, C replaced by G.
Protein change: p.Gln394Glu; replaces glutamine 394 with glutamic acid.
Molecular consequence: missense variant. On other transcripts: intron variant (3).
Genome position (GRCh38, 1-based): chr9:128,179,027, G>C on the plus strand (C>G on the coding strand, the complement: CIZ1 is on the minus strand). VCF-style: chr9-128179027-G-C. GRCh37 (hg19) VCF-style: chr9-130941306-G-C.
Other names: c.1270C>G, p.Gln424Glu (NM_001257975.2); c.877C>G, p.Gln293Glu (NM_001257976.2); c.1180C>G, p.Gln394Glu (NM_012127.3); c.1134+46C>G (NM_001131015.2); c.1062+46C>G (NM_001131018.2); c.1119+46C>G (NM_001131017.2); short protein forms Q293E, Q394E, Q424E.
Identifiers: ClinVar variation 1062258 (VCV001062258.9), dbSNP rs200010931, ClinGen allele CA5257365.